The following is an entry in ClinVar:

ClinVar aggregate classification (germline): Uncertain significance (1 of 4 stars; one submission).

Submission:

CeGaT Center for Human Genetics Tuebingen
Classification: Uncertain significance. Last evaluated: 2023-10-01. Review status: criteria provided, single submitter. Criteria: CeGaT Center For Human Genetics Tuebingen Variant Classification Criteria Version 2. Collection method: clinical testing. Allele origin: germline. Affected: yes. Observed: 1 variant allele.
Comment: F5: PM2, BP4

NM_000130.5(F5):c.3335G>C (p.Ser1112Thr)

Gene: F5 (coagulation factor V; minus strand). Cytogenetic location: 1q24.2.
Variant type: single nucleotide variant.
Coding change: c.3335G>C on transcript NM_000130.5 (MANE Select); coding-DNA position 3335, G replaced by C.
Protein change: p.Ser1112Thr; replaces serine 1112 with threonine.
Molecular consequence: missense variant.
Genome position (GRCh38, 1-based): chr1:169,541,755, C>G on the plus strand (G>C on the coding strand, the complement: F5 is on the minus strand). VCF-style: chr1-169541755-C-G. GRCh37 (hg19) VCF-style: chr1-169510993-C-G.
Other names: short protein forms S1112T.
Identifiers: ClinVar variation 2639536 (VCV002639536.24), dbSNP rs2101819146, ClinGen allele CA343118470.